The following is an entry in ClinVar:

ClinVar aggregate classification (germline): Uncertain significance (1 of 4 stars; one submission).

Conditions:
DNAH5-related disorder. Also called: DNAH5-related condition.

Submission:

PreventionGenetics, part of Exact Sciences
Classification: Uncertain significance for DNAH5-related condition. Last evaluated: 2024-11-16. Review status: criteria provided, single submitter. Criteria: ACMG Guidelines, 2015. Collection method: clinical testing. Allele origin: germline.
Comment: The DNAH5 c.1991A>G variant is predicted to result in the amino acid substitution p.Asn664Ser. To our knowledge, this variant has not been reported in the literature. This variant is reported in 0.0054% of alleles in individuals of East Asian descent in gnomAD. At this time, the clinical significance of this variant is uncertain due to the absence of conclusive functional and genetic evidence.

NM_001369.3(DNAH5):c.1991A>G (p.Asn664Ser)

Gene: DNAH5 (dynein axonemal heavy chain 5; minus strand). Cytogenetic location: 5p15.2.
Variant type: single nucleotide variant.
Coding change: c.1991A>G on transcript NM_001369.3 (MANE Select); coding-DNA position 1991, A replaced by G.
Protein change: p.Asn664Ser; replaces asparagine 664 with serine.
Molecular consequence: missense variant.
Genome position (GRCh38, 1-based): chr5:13,901,313, T>C on the plus strand (A>G on the coding strand, the complement: DNAH5 is on the minus strand). VCF-style: chr5-13901313-T-C. GRCh37 (hg19) VCF-style: chr5-13901422-T-C.
Other names: short protein forms N664S.
Identifiers: ClinVar variation 4988261 (VCV004988261.1).